The following is an entry in ClinVar:

ClinVar aggregate classification (germline): Uncertain significance. Review status: criteria provided, multiple submitters, no conflicts (2 of 4 stars). 2 submissions from 2 submitters: Uncertain significance (2). Last evaluated 2025-02-23.

Conditions:
Inborn genetic diseases. Identifiers: MedGen C0950123, MeSH D030342.

gnomAD v4.1: 34 of 998,106 alleles (0.0034%); highest among the groups gnomAD compares: Admixed American, 0.008%; no homozygotes.

Submissions (2):

Labcorp Genetics (formerly Invitae), Labcorp
Classification: Uncertain significance. Last evaluated: 2025-02-23. Review status: criteria provided, single submitter. Criteria: Invitae Variant Classification Sherloc (09022015). Collection method: clinical testing. Allele origin: germline.
Comment: This sequence change replaces proline, which is neutral and non-polar, with glutamine, which is neutral and polar, at codon 176 of the FGD1 protein (p.Pro176Gln). This variant is not present in population databases (gnomAD no frequency). This variant has not been reported in the literature in individuals affected with FGD1-related conditions. ClinVar contains an entry for this variant (Variation ID: 1984252). Invitae Evidence Modeling of protein sequence and biophysical properties (such as structural, functional, and spatial information, amino acid conservation, physicochemical variation, residue mobility, and thermodynamic stability) indicates that this missense variant is not expected to disrupt FGD1 protein function with a negative predictive value of 95%. In summary, the available evidence is currently insufficient to determine the role of this variant in disease. Therefore, it has been classified as a Variant of Uncertain Significance.

Ambry Genetics
Classification: Uncertain significance for Inborn genetic diseases. Last evaluated: 2023-12-14. Review status: criteria provided, single submitter. Criteria: Ambry Variant Classification Scheme 2023. Collection method: clinical testing. Allele origin: germline.

NM_004463.3(FGD1):c.527C>A (p.Pro176Gln)

Gene: FGD1 (FYVE, RhoGEF and PH domain containing 1; minus strand). Cytogenetic location: Xp11.22.
Variant type: single nucleotide variant.
Coding change: c.527C>A on transcript NM_004463.3 (MANE Select); coding-DNA position 527, C replaced by A.
Protein change: p.Pro176Gln; replaces proline 176 with glutamine.
Molecular consequence: missense variant.
Genome position (GRCh38, 1-based): chrX:54,470,715, G>T on the plus strand (C>A on the coding strand, the complement: FGD1 is on the minus strand). VCF-style: chrX-54470715-G-T. GRCh37 (hg19) VCF-style: chrX-54497148-G-T.
Other names: c.527C>A (NM_004463.2); short protein forms P176Q.
Identifiers: ClinVar variation 1984252 (VCV001984252.5), dbSNP rs201843295, ClinGen allele CA413249558.